The following is an entry in ClinVar:

NM_020738.4(KIDINS220):c.237G>A (p.Ser79=)

Gene: KIDINS220 (kinase D interacting substrate 220; minus strand). Cytogenetic location: 2p25.1.
Variant type: single nucleotide variant.
Coding change: c.237G>A on transcript NM_020738.4 (MANE Select); coding-DNA position 237, G replaced by A.
Protein change: p.Ser79=; no amino-acid change (serine 79 retained).
Molecular consequence: synonymous variant. On other transcripts: non-coding transcript variant (2).
Genome position (GRCh38, 1-based): chr2:8,817,687, C>T on the plus strand (G>A on the coding strand, the complement: KIDINS220 is on the minus strand). VCF-style: chr2-8817687-C-T. GRCh37 (hg19) VCF-style: chr2-8957817-C-T.
Other names: c.237G>A, p.Ser79= (NM_001348729.2, NM_001348731.2, NM_001348732.2 and 9 more transcripts); c.111G>A, p.Ser37= (NM_001348736.2); c.237G>A (NM_020738.2).
Identifiers: ClinVar variation 1574013 (VCV001574013.11), dbSNP rs181968246, ClinGen allele CA1520485.

ClinVar aggregate classification (germline): Likely benign. Review status: criteria provided, multiple submitters, no conflicts (2 of 4 stars). 3 submissions from 3 submitters: Likely benign (2). 1 of the submissions does not count toward it. Last evaluated 2026-08-01.

Conditions:
KIDINS220-related disorder. Also called: KIDINS220-related condition.

Allele frequency attached by ClinVar (database versions not stated): gnomAD 0.00006 and 0.00011; TOPMed 0.00009; gnomAD exomes 0.00010; ExAC 0.00012; 1000 Genomes Project 30x 0.00016; 1000 Genomes Project 0.00020.
gnomAD v4.1: 110 of 1,606,894 alleles (0.0068%); highest among the groups gnomAD compares: Middle Eastern, 0.18%; no homozygotes.

Submissions (3):

CeGaT Center for Human Genetics Tuebingen
Classification: Likely benign. Last evaluated: 2026-08-01. Review status: criteria provided, single submitter. Criteria: CeGaT Center For Human Genetics Tuebingen Variant Classification Criteria Version 2. Collection method: clinical testing. Allele origin: germline. Affected: yes. Observed: 1 variant allele.
Comment: KIDINS220: BP4, BP7

Labcorp Genetics (formerly Invitae), Labcorp
Classification: Likely benign. Last evaluated: 2025-12-11. Review status: criteria provided, single submitter. Criteria: Invitae Variant Classification Sherloc (09022015). Collection method: clinical testing. Allele origin: germline.

PreventionGenetics, part of Exact Sciences
Classification: Likely benign for KIDINS220-related condition. Last evaluated: 2021-11-17. Review status: no assertion criteria provided. Collection method: clinical testing. Allele origin: germline. Not counted in ClinVar's aggregate classification.
Comment: This variant is classified as likely benign based on ACMG/AMP sequence variant interpretation guidelines (Richards et al. 2015 PMID: 25741868, with internal and published modifications).